The following is an entry in ClinVar:

NM_152419.3(HGSNAT):c.698dup (p.Ser234fs)

Gene: HGSNAT (heparan-alpha-glucosaminide N-acetyltransferase; plus strand). Cytogenetic location: 8p11.21.
Variant type: Duplication.
Coding change: c.698dup on transcript NM_152419.3 (MANE Select); coding-DNA position 698, one base duplicated (T; older notation c.698dupT).
Protein change: p.Ser234fs; shifts the reading frame from serine 234.
Molecular consequence: frameshift variant. On other transcripts: 5 prime UTR variant (1).
Genome position (GRCh38, 1-based): chr8:43,170,649, T duplicated. VCF-style (leftmost placement, unchanged base first): chr8-43170648-C-CT. GRCh37 (hg19) VCF-style: chr8-43025791-C-CT.
Other names: c.698dup, p.Ser234fs (NM_001363227.2, NM_001363228.2); c.-136dup (NM_001363229.2); short protein forms S234fs.
Identifiers: ClinVar variation 2935025 (VCV002935025.4), dbSNP rs2486963476, ClinGen allele CA2687151863.
Genomic context (GRCh38, chr8:43,170,648, plus strand): 5'-CTGGGATCTCCCAGCAGGACAGACCCTCTCGATGGTGATGTTCAGCCAGCAACGTGGCGT[C>CT]TATCTGCCCTGCCGCCCCGCCTCCGCAGCGTGGACACCTTCAGGGGGTATGTGGGCCTCC-3'

ClinVar aggregate classification (germline): Pathogenic/Likely pathogenic. Review status: criteria provided, multiple submitters, no conflicts (2 of 4 stars). 2 submissions from 2 submitters: Pathogenic (1); Likely pathogenic (1). Last evaluated 2024-04-10.

Conditions:
Retinitis pigmentosa 73 (RP73). Identifiers: Orphanet 791, MedGen C4225287, MONDO:0014687, OMIM 616544.
Mucopolysaccharidosis, MPS-III-C (MPS3C). Also called: SANFILIPPO SYNDROME C; MPS III C; Mucopolysaccharidosis type IIIC (Sanfilippo C); MUCOPOLYSACCHARIDOSIS, TYPE IIIC; mucopolysaccharidosis type 3C; MPS IIIC (Sanfilippo Syndrome Type C). Identifiers: Orphanet 581, Orphanet 79271, MedGen C0086649, MONDO:0009657, OMIM 252930.

Allele frequency attached by ClinVar (database versions not stated): gnomAD exomes below 0.00001.

Submissions (2):

Fulgent Genetics
Classification: Likely pathogenic for Mucopolysaccharidosis, MPS-III-C; Retinitis pigmentosa 73. Last evaluated: 2024-04-10. Review status: criteria provided, single submitter. Criteria: ACMG Guidelines, 2015. Collection method: clinical testing. Allele origin: germline.

Labcorp Genetics (formerly Invitae), Labcorp
Classification: Pathogenic for Retinitis pigmentosa 73; Mucopolysaccharidosis, MPS-III-C. Last evaluated: 2023-08-17. Review status: criteria provided, single submitter. Criteria: Invitae Variant Classification Sherloc (09022015). Collection method: clinical testing. Allele origin: germline.
Comment: For these reasons, this variant has been classified as Pathogenic. This variant has not been reported in the literature in individuals affected with HGSNAT-related conditions. This variant is not present in population databases (gnomAD no frequency). This sequence change creates a premature translational stop signal (p.Ser234Ilefs*46) in the HGSNAT gene. It is expected to result in an absent or disrupted protein product. Loss-of-function variants in HGSNAT are known to be pathogenic (PMID: 17033958, 19479962).

Literature cited by the submitters: PubMed 17033958 (cited by Labcorp Genetics (formerly Invitae), Labcorp); PubMed 19479962 (cited by Labcorp Genetics (formerly Invitae), Labcorp).